The following is an entry in ClinVar:

ClinVar aggregate classification (germline): Conflicting classifications of pathogenicity. Review status: criteria provided, conflicting classifications (1 of 4 stars). 3 submissions from 3 submitters: Uncertain significance (1); Benign (1). 1 of the submissions does not count toward it. Last evaluated 2024-10-22.

Conditions:
L1CAM-related disorder. Also called: L1CAM-related condition.
Spastic paraplegia. Identifiers: MedGen C0037772, HP:0001258.

Allele frequency attached by ClinVar (database versions not stated): gnomAD exomes 0.00014 and 0.00007; gnomAD 0.00001 and 0.00003; 1000 Genomes Project 30x 0.00042; TOPMed 0.00002; ExAC 0.00013; 1000 Genomes Project 0.00026.

Submissions (3):

Labcorp Genetics (formerly Invitae), Labcorp
Classification: Benign for Spastic paraplegia. Last evaluated: 2024-10-22. Review status: criteria provided, single submitter. Criteria: Invitae Variant Classification Sherloc (09022015). Collection method: clinical testing. Allele origin: germline.

Eurofins Ntd Llc (ga)
Classification: Uncertain significance. Last evaluated: 2013-10-21. Review status: criteria provided, single submitter. Criteria: EGL Classification Definitions 2015. Collection method: clinical testing. Allele origin: germline. Observed: 2 variant alleles, 1 heterozygote, 2 hemizygotes.

PreventionGenetics, part of Exact Sciences
Classification: Likely benign for L1CAM-related condition. Last evaluated: 2020-01-13. Review status: no assertion criteria provided. Collection method: clinical testing. Allele origin: germline. Not counted in ClinVar's aggregate classification.
Comment: This variant is classified as likely benign based on ACMG/AMP sequence variant interpretation guidelines (Richards et al. 2015 PMID: 25741868, with internal and published modifications).

NM_001278116.2(L1CAM):c.860G>A (p.Arg287His)

Gene: L1CAM (L1 cell adhesion molecule; minus strand). Cytogenetic location: Xq28.
Variant type: single nucleotide variant.
Coding change: c.860G>A on transcript NM_001278116.2 (MANE Select); coding-DNA position 860, G replaced by A.
Protein change: p.Arg287His; replaces arginine 287 with histidine.
Molecular consequence: missense variant.
Genome position (GRCh38, 1-based): chrX:153,870,187, C>T on the plus strand (G>A on the coding strand, the complement: L1CAM is on the minus strand). VCF-style: chrX-153870187-C-T. GRCh37 (hg19) VCF-style: chrX-153135642-C-T.
Other names: c.860G>A, p.Arg287His (NM_000425.5, NM_024003.3); c.845G>A, p.Arg282His (NM_001143963.2); c.860G>A (NM_000425.4); short protein forms R287H, R282H.
Identifiers: ClinVar variation 92935 (VCV000092935.11), dbSNP rs200402620, ClinGen allele CA220735.
Genomic context (GRCh38, chrX:153,870,187, plus strand): 5'-TCATCCTCCTCGCCCACTTTCAGCAGCTGCAGGGTCTTGTTGTGGTTCTGGTAGGTGACA[C>T]GGTCGGCTGGCATGGGGCCACTGGGGCGCAGCCATTTGATGGTGGGCGTGGGACTGCCCG-3'
Protein context (NP_001265045.1, residues 277-297): LRPSGPMPAD[Arg287His]VTYQNHNKTL